The following is an entry in ClinVar:

ClinVar aggregate classification (germline): Conflicting classifications of pathogenicity. Review status: criteria provided, conflicting classifications (1 of 4 stars). 3 submissions from 3 submitters: Uncertain significance (1); Benign (2). Last evaluated 2026-01-26.

Conditions:
Retinal cone dystrophy 4 (RCD4). Identifiers: Orphanet 1872, MedGen C1864849, MONDO:0012507, OMIM 610478.

Allele frequency attached by ClinVar (database versions not stated): ExAC 0.00200; gnomAD 0.00615; ESP Exome Variant Server 0.00642; 1000 Genomes Project 0.00719; 1000 Genomes Project 30x 0.00750; TOPMed 0.00804.
gnomAD v4.1: 2,032 of 1,614,034 alleles (0.13%); highest among the groups gnomAD compares: African/African-American, 2.4%; 16 homozygotes.

Submissions (3):

Labcorp Genetics (formerly Invitae), Labcorp
Classification: Benign. Last evaluated: 2026-01-26. Review status: criteria provided, single submitter. Criteria: Invitae Variant Classification Sherloc (09022015). Collection method: clinical testing. Allele origin: germline.

Illumina Laboratory Services, Illumina
Classification: Benign for Retinal cone dystrophy 4. Last evaluated: 2017-04-27. Review status: criteria provided, single submitter. Criteria: ICSL Variant Classification Criteria 13 December 2019. Collection method: clinical testing. Allele origin: germline.
Comment: This variant was observed as part of a predisposition screen in an ostensibly healthy population. A literature search was performed for the gene, cDNA change, and amino acid change (where applicable). No publications were found based on this search. Allele frequency data from public databases was too high to be consistent with this variant causing disease. Therefore, this variant is classified as benign.

GeneDx
Classification: Uncertain significance. Last evaluated: 2016-07-26. Review status: criteria provided, single submitter. Criteria: GeneDx Variant Classification (06012015). Collection method: clinical testing. Allele origin: germline. Affected: yes.
Comment: The E703D variant in the CACNA2D4 gene has not been reported previously as a pathogenic variant, nor as a benign variant, to our knowledge. Although not present in the homozgyous state, the NHLBI Exome Sequencing Project reports E703D was observed in 79/4070 (1.94%) alleles from individuals of African American background, indicating it may be a rare variant in this population. The E703D variant is a conservative amino acid substitution, which is not likely to impact secondary protein structure as these residues share similar properties. This substitution occurs at a position that is conserved in mammals. In silico analysis is inconsistent in its predictions as to whether or not the variant is damaging to the protein structure/function. We interpret E703D as a variant of uncertain significance.

NM_172364.5(CACNA2D4):c.2109G>C (p.Glu703Asp)

Gene: CACNA2D4 (calcium voltage-gated channel auxiliary subunit alpha2delta 4; minus strand). Cytogenetic location: 12p13.33.
Variant type: single nucleotide variant.
Coding change: c.2109G>C on transcript NM_172364.5 (MANE Select); coding-DNA position 2109, G replaced by C.
Protein change: p.Glu703Asp; replaces glutamic acid 703 with aspartic acid.
Molecular consequence: missense variant.
Genome position (GRCh38, 1-based): chr12:1,856,055, C>G on the plus strand (G>C on the coding strand, the complement: CACNA2D4 is on the minus strand). VCF-style: chr12-1856055-C-G. GRCh37 (hg19) VCF-style: chr12-1965221-C-G.
Other names: short protein forms E703D.
Identifiers: ClinVar variation 421701 (VCV000421701.16), dbSNP rs77175207, ClinGen allele CA6386844.